The following is an entry in ClinVar:

ClinVar aggregate classification (germline): Uncertain significance (1 of 4 stars; one submission).

Conditions:
Long QT syndrome (LQTS). Identifiers: MedGen C0023976, MeSH D008133, MONDO:0002442. Disease mechanism: loss of function. Inheritance: Various modes of inheritance.

Submission:

Labcorp Genetics (formerly Invitae), Labcorp
Classification: Uncertain significance for Long QT syndrome. Last evaluated: 2019-04-04. Review status: criteria provided, single submitter. Criteria: Invitae Variant Classification Sherloc (09022015). Collection method: clinical testing. Allele origin: germline.
Comment: In summary, the available evidence is currently insufficient to determine the role of this variant in disease. Therefore, it has been classified as a Variant of Uncertain Significance. Algorithms developed to predict the effect of sequence changes on RNA splicing suggest that this variant may create or strengthen a splice site, but this prediction has not been confirmed by published transcriptional studies. Algorithms developed to predict the effect of missense changes on protein structure and function (SIFT, PolyPhen-2, Align-GVGD) all suggest that this variant is likely to be tolerated, but these predictions have not been confirmed by published functional studies and their clinical significance is uncertain. This variant has not been reported in the literature in individuals with SNTA1-related conditions. The frequency data for this variant in the population databases is considered unreliable, as metrics indicate insufficient coverage at this position in the ExAC database. This sequence change replaces alanine with valine at codon 68 of the SNTA1 protein (p.Ala68Val). The alanine residue is moderately conserved and there is a small physicochemical difference between alanine and valine.

NM_003098.3(SNTA1):c.203_204delinsTA (p.Ala68Val)

Gene: SNTA1 (syntrophin alpha 1; minus strand). Cytogenetic location: 20q11.21.
Variant type: Indel.
Coding change: c.203_204delinsTA on transcript NM_003098.3 (MANE Select); coding-DNA positions 203 to 204, CG replaced by TA.
Protein change: p.Ala68Val; replaces alanine 68 with valine.
Molecular consequence: missense variant.
Genome position (GRCh38, 1-based): chr20:33,443,417-33,443,418, CG replaced by TA on the plus strand (CG replaced by TA on the coding strand, the reverse complement: SNTA1 is on the minus strand). VCF-style: chr20-33443417-CG-TA. GRCh37 (hg19) VCF-style: chr20-32031223-CG-TA.
Other names: short protein forms A68V.
Identifiers: ClinVar variation 849436 (VCV000849436.8), dbSNP rs1990629807, ClinGen allele CA916081955.